The following is an entry in ClinVar:

NM_005236.3(ERCC4):c.1981G>A (p.Ala661Thr)

Gene: ERCC4 (ERCC excision repair 4, endonuclease catalytic subunit; plus strand). Cytogenetic location: 16p13.12.
Variant type: single nucleotide variant.
Coding change: c.1981G>A on transcript NM_005236.3 (MANE Select); coding-DNA position 1981, G replaced by A.
Protein change: p.Ala661Thr; replaces alanine 661 with threonine.
Molecular consequence: missense variant.
Genome position (GRCh38, 1-based): chr16:13,944,799, G>A. VCF-style: chr16-13944799-G-A. GRCh37 (hg19) VCF-style: chr16-14038656-G-A.
Other names: short protein forms A661T.
Identifiers: ClinVar variation 3762605 (VCV003762605.2).

ClinVar aggregate classification (germline): Uncertain significance (1 of 4 stars; one submission).

Conditions:
Xeroderma pigmentosum, group F (XPF). Also called: XERODERMA PIGMENTOSUM, COMPLEMENTATION GROUP F; XERODERMA PIGMENTOSUM, TYPE F; Xeroderma pigmentosum, type 6; XERODERMA PIGMENTOSUM VI; XP, GROUP F; ERCC4-Related Xeroderma Pigmentosum. Identifiers: MedGen C0268140, MONDO:0010215, OMIM 278760.
Cockayne syndrome. Identifiers: Orphanet 191, MedGen C0009207, MONDO:0016006.
Fanconi anemia complementation group Q. Identifiers: Orphanet 84, MedGen C3808988, MONDO:0014108, OMIM 615272.

Submission:

Labcorp Genetics (formerly Invitae), Labcorp
Classification: Uncertain significance for Fanconi anemia complementation group Q; Xeroderma pigmentosum, group F; Cockayne syndrome. Last evaluated: 2024-09-09. Review status: criteria provided, single submitter. Criteria: Invitae Variant Classification Sherloc (09022015). Collection method: clinical testing. Allele origin: germline.
Comment: This sequence change replaces alanine, which is neutral and non-polar, with threonine, which is neutral and polar, at codon 661 of the ERCC4 protein (p.Ala661Thr). This variant is not present in population databases (gnomAD no frequency). This variant has not been reported in the literature in individuals affected with ERCC4-related conditions. Invitae Evidence Modeling of protein sequence and biophysical properties (such as structural, functional, and spatial information, amino acid conservation, physicochemical variation, residue mobility, and thermodynamic stability) indicates that this missense variant is not expected to disrupt ERCC4 protein function with a negative predictive value of 80%. In summary, the available evidence is currently insufficient to determine the role of this variant in disease. Therefore, it has been classified as a Variant of Uncertain Significance.